The following is an entry in ClinVar:

NM_003620.4(PPM1D):c.1403C>G (p.Ser468Ter)

Gene: PPM1D (protein phosphatase, Mg2+/Mn2+ dependent 1D; plus strand). Cytogenetic location: 17q23.2.
Variant type: single nucleotide variant.
Coding change: c.1403C>G on transcript NM_003620.4 (MANE Select); coding-DNA position 1403, C replaced by G.
Protein change: p.Ser468Ter; replaces serine 468 with a stop codon.
Molecular consequence: nonsense.
Genome position (GRCh38, 1-based): chr17:60,663,137, C>G. VCF-style: chr17-60663137-C-G. GRCh37 (hg19) VCF-style: chr17-58740498-C-G.
Other names: short protein forms S468*.
Identifiers: ClinVar variation 2052586 (VCV002052586.4), dbSNP rs375975790, ClinGen allele CA8687776.

ClinVar aggregate classification (germline): Uncertain significance (1 of 4 stars; one submission).

Allele frequency attached by ClinVar (database versions not stated): ESP Exome Variant Server 0.00008.
gnomAD v4.1: 5 of 1,614,104 alleles (0.00031%); highest among the groups gnomAD compares: South Asian, 0.0011%; no homozygotes.

Submission:

Labcorp Genetics (formerly Invitae), Labcorp
Classification: Uncertain significance. Last evaluated: 2022-09-30. Review status: criteria provided, single submitter. Criteria: Invitae Variant Classification Sherloc (09022015). Collection method: clinical testing. Allele origin: germline.
Comment: This sequence change creates a premature translational stop signal (p.Ser468*) in the PPM1D gene. While this is not anticipated to result in nonsense mediated decay, it is expected to disrupt the last 138 amino acid(s) of the PPM1D protein. In summary, the available evidence is currently insufficient to determine the role of this variant in disease. Therefore, it has been classified as a Variant of Uncertain Significance. Experimental studies and prediction algorithms are not available or were not evaluated, and the functional significance of this variant is currently unknown. This variant has not been reported in the literature in individuals affected with PPM1D-related conditions. The frequency data for this variant in the population databases is considered unreliable, as metrics indicate poor data quality at this position in the gnomAD database.